The following is an entry in ClinVar:

NM_001127222.2(CACNA1A):c.1951G>T (p.Asp651Tyr)

Gene: CACNA1A (calcium voltage-gated channel subunit alpha1 A; minus strand). Cytogenetic location: 19p13.13.
Variant type: single nucleotide variant.
Coding change: c.1951G>T on transcript NM_001127222.2 (MANE Select); coding-DNA position 1951, G replaced by T.
Protein change: p.Asp651Tyr; replaces aspartic acid 651 with tyrosine.
Molecular consequence: missense variant.
Genome position (GRCh38, 1-based): chr19:13,307,817, C>A on the plus strand (G>T on the coding strand, the complement: CACNA1A is on the minus strand). VCF-style: chr19-13307817-C-A. GRCh37 (hg19) VCF-style: chr19-13418631-C-A.
Other names: c.1954G>T, p.Asp652Tyr (NM_000068.4, NM_001127221.2, NM_001174080.2 and 1 more transcripts); short protein forms D651Y, D652Y.
Identifiers: ClinVar variation 1305867 (VCV001305867.2), dbSNP rs1244229103, ClinGen allele CA404344609.

ClinVar aggregate classification (germline): Uncertain significance (1 of 4 stars; one submission).

Submission:

GeneDx
Classification: Uncertain significance. Last evaluated: 2019-05-21. Review status: criteria provided, single submitter. Criteria: GeneDx Variant Classification Process June 2021. Collection method: clinical testing. Allele origin: germline. Affected: yes.
Comment: Not observed in large population cohorts (Lek et al., 2016); In silico analysis, which includes protein predictors and evolutionary conservation, supports a deleterious effect. In addition, in silico splice predictors suggest this variant may lead to abnormal gene splicing. In the absence of RNA/functional studies, the actual effect of this sequence change is unknown; Has not been previously published as pathogenic or benign to our knowledge